The following is an entry in ClinVar:

ClinVar aggregate classification (germline): Pathogenic (1 of 4 stars; one submission).

Conditions:
Hypertrophic cardiomyopathy 26. Also called: Cardiomyopathy, familial hypertrophic, 26. Identifiers: Orphanet 75249, MedGen C4310749, MONDO:0014883, OMIM 617047.
Myofibrillar myopathy 5. Also called: Filaminopathy (type); FILAMINOPATHY, AUTOSOMAL DOMINANT. Identifiers: Orphanet 171445, MedGen C1836050, MONDO:0012289, OMIM 609524.
Distal myopathy with posterior leg and anterior hand involvement. Also called: WILLIAMS DISTAL MYOPATHY. Identifiers: Orphanet 63273, MedGen C3279722, MONDO:0013550, OMIM 614065.

Submission:

Labcorp Genetics (formerly Invitae), Labcorp
Classification: Pathogenic for Distal myopathy with posterior leg and anterior hand involvement; Myofibrillar myopathy 5; Hypertrophic cardiomyopathy 26. Last evaluated: 2025-11-26. Review status: criteria provided, single submitter. Criteria: Invitae Variant Classification Sherloc (09022015). Collection method: clinical testing. Allele origin: germline.
Comment: This sequence change creates a premature translational stop signal (p.Val378Cysfs*36) in the FLNC gene. It is expected to result in an absent or disrupted protein product. Loss-of-function variants in FLNC are known to be pathogenic (PMID: 27908349). This variant is not present in population databases (gnomAD no frequency). This variant has not been reported in the literature in individuals affected with FLNC-related conditions. For these reasons, this variant has been classified as Pathogenic.

Literature cited by the submitters: PubMed 27908349.

NM_001458.5(FLNC):c.1132del (p.Val378fs)

Gene: FLNC (filamin C; plus strand). Cytogenetic location: 7q32.1.
Variant type: Deletion.
Coding change: c.1132del on transcript NM_001458.5 (MANE Select); coding-DNA position 1132, one base deleted (G; older notation c.1132delG).
Protein change: p.Val378fs; shifts the reading frame from valine 378.
Molecular consequence: frameshift variant.
Genome position (GRCh38, 1-based): chr7:128,838,351, G deleted; the last of 2 consecutive G bases (chr7:128,838,350-128,838,351); deleting either gives the same sequence. VCF-style (leftmost placement, unchanged base first): chr7-128838349-AG-A. GRCh37 (hg19) VCF-style: chr7-128478403-AG-A.
Other names: c.1132del, p.Val378fs (NM_001127487.2); short protein forms V378fs.
Identifiers: ClinVar variation 4812549 (VCV004812549.1).